The following is an entry in ClinVar:

NM_004525.3(LRP2):c.3201T>C (p.Cys1067=)

Gene: LRP2 (LDL receptor related protein 2; minus strand). Cytogenetic location: 2q31.1.
Variant type: single nucleotide variant.
Coding change: c.3201T>C on transcript NM_004525.3 (MANE Select); coding-DNA position 3201, T replaced by C.
Protein change: p.Cys1067=; no amino-acid change (cysteine 1067 retained).
Molecular consequence: synonymous variant.
Genome position (GRCh38, 1-based): chr2:169,244,922, A>G on the plus strand (T>C on the coding strand, the complement: LRP2 is on the minus strand). VCF-style: chr2-169244922-A-G. GRCh37 (hg19) VCF-style: chr2-170101432-A-G.
Other names: c.3201T>C (NM_004525.2).
Identifiers: ClinVar variation 2872382 (VCV002872382.5), dbSNP rs775400297, ClinGen allele CA1955091.

ClinVar aggregate classification (germline): Likely benign. Review status: criteria provided, single submitter (1 of 4 stars). 2 submissions from 2 submitters: Likely benign (1). 1 of the submissions does not count toward it. Last evaluated 2023-10-08.

Conditions:
LRP2-related disorder. Also called: LRP2-related condition.

Allele frequency attached by ClinVar (database versions not stated): gnomAD 0.00001; gnomAD exomes 0.00001; ExAC 0.00003.
gnomAD v4.1: 21 of 1,614,112 alleles (0.0013%); highest among the groups gnomAD compares: South Asian, 0.023%; no homozygotes.

Submissions (2):

Labcorp Genetics (formerly Invitae), Labcorp
Classification: Likely benign. Last evaluated: 2023-10-08. Review status: criteria provided, single submitter. Criteria: Invitae Variant Classification Sherloc (09022015). Collection method: clinical testing. Allele origin: germline.

PreventionGenetics, part of Exact Sciences
Classification: Likely benign for LRP2-related condition. Last evaluated: 2019-05-20. Review status: no assertion criteria provided. Collection method: clinical testing. Allele origin: germline. Not counted in ClinVar's aggregate classification.
Comment: This variant is classified as likely benign based on ACMG/AMP sequence variant interpretation guidelines (Richards et al. 2015 PMID: 25741868, with internal and published modifications).